The following is an entry in ClinVar:

NM_001375380.1(EBF3):c.1082A>C (p.Gln361Pro)

Gene: EBF3 (EBF transcription factor 3; minus strand). Cytogenetic location: 10q26.3.
Variant type: single nucleotide variant.
Coding change: c.1082A>C on transcript NM_001375380.1 (MANE Select); coding-DNA position 1082, A replaced by C.
Protein change: p.Gln361Pro; replaces glutamine 361 with proline.
Molecular consequence: missense variant.
Genome position (GRCh38, 1-based): chr10:129,848,438, T>G on the plus strand (A>C on the coding strand, the complement: EBF3 is on the minus strand). VCF-style: chr10-129848438-T-G. GRCh37 (hg19) VCF-style: chr10-131646702-T-G.
Other names: c.1055A>C, p.Gln352Pro (NM_001005463.3, NM_001375390.1, NM_001375392.1); c.1082A>C, p.Gln361Pro (NM_001375379.1, NM_001375389.1, NM_001375391.1); short protein forms Q352P, Q361P.
Identifiers: ClinVar variation 3378195 (VCV003378195.1).
Genomic context (GRCh38, chr10:129,848,438, plus strand): 5'-GCTCTTTTACTAACCTTGGGTAACCTTTCGGGATCACCCGGATGTCTTGGGATCACTTTC[T>G]GCAACCTCTGAAAGCCGTAATCTATGGTTGGTTCATTAAGGGCTGCAACAGGACACAGAA-3'
Protein context (NP_001362309.1, residues 351-371): PTIDYGFQRL[Gln361Pro]KVIPRHPGDP

ClinVar aggregate classification (germline): Uncertain significance (1 of 4 stars; one submission).

Submission:

GeneDx
Classification: Uncertain significance. Last evaluated: 2024-05-13. Review status: criteria provided, single submitter. Criteria: GeneDx Variant Classification Process June 2021. Collection method: clinical testing. Allele origin: germline. Affected: yes.
Comment: Not observed at significant frequency in large population cohorts (gnomAD); In silico analysis supports that this missense variant has a deleterious effect on protein structure/function; Has not been previously published as pathogenic or benign to our knowledge